The following is an entry in ClinVar:

NM_000368.5(TSC1):c.211-157G>A

Gene: TSC1 (TSC complex subunit 1; minus strand). Cytogenetic location: 9q34.13.
Variant type: single nucleotide variant.
Coding change: c.211-157G>A on transcript NM_000368.5 (MANE Select); 157 bases into the intron before coding-DNA position 211, G replaced by A.
Molecular consequence: intron variant.
Genome position (GRCh38, 1-based): chr9:132,925,896, C>T on the plus strand (G>A on the coding strand, the complement: TSC1 is on the minus strand). VCF-style: chr9-132925896-C-T. GRCh37 (hg19) VCF-style: chr9-135801283-C-T.
Other names: c.-153-157G>A (NM_001362177.2); c.210+1305G>A (NM_001162427.2); c.211-157G>A (NM_001162426.2).
Identifiers: ClinVar variation 676869 (VCV000676869.2), dbSNP rs150221955, ClinGen allele CA200902205.

ClinVar aggregate classification (germline): Likely benign. Review status: criteria provided, multiple submitters, no conflicts (2 of 4 stars). 2 submissions from 2 submitters: Likely benign (2). Last evaluated 2018-06-16.

Allele frequency attached by ClinVar (database versions not stated): 1000 Genomes Project 30x 0.00500; 1000 Genomes Project 0.00559; gnomAD 0.00989 and 0.01035; TOPMed 0.01047; gnomAD exomes 0.01356.
gnomAD v4.1: 12,572 of 968,930 alleles (1.3%); highest among the groups gnomAD compares: Non-Finnish European, 1.6%; 119 homozygotes.

Submissions (2):

GeneDx
Classification: Likely benign. Last evaluated: 2018-06-16. Review status: criteria provided, single submitter. Criteria: GeneDx Variant Classification (06012015). Collection method: clinical testing. Allele origin: germline. Affected: yes.
Comment: This variant is considered likely benign or benign based on one or more of the following criteria: it is a conservative change, it occurs at a poorly conserved position in the protein, it is predicted to be benign by multiple in silico algorithms, and/or has population frequency not consistent with disease.

Breakthrough Genomics
Classification: Likely benign. Review status: criteria provided, single submitter. Criteria: ACMG Guidelines, 2015. Collection method: not provided. Allele origin: germline. Inheritance: Autosomal dominant inheritance. Affected: yes.